The following is an entry in ClinVar:

NM_024052.5(GID4):c.651A>C (p.Ser217=)

Gene: GID4 (GID complex subunit 4 homolog; plus strand). Cytogenetic location: 17p11.2.
Variant type: single nucleotide variant.
Coding change: c.651A>C on transcript NM_024052.5 (MANE Select); coding-DNA position 651, A replaced by C.
Protein change: p.Ser217=; no amino-acid change (serine 217 retained).
Molecular consequence: synonymous variant.
Genome position (GRCh38, 1-based): chr17:18,058,912, A>C. VCF-style: chr17-18058912-A-C. GRCh37 (hg19) VCF-style: chr17-17962226-A-C.
Identifiers: ClinVar variation 2647538 (VCV002647538.24), dbSNP rs776006285, ClinGen allele CA498193349.
Genomic context (GRCh38, chr17:18,058,912, plus strand): 5'-TCTTTTCTGCTTTCAGGGCAAGTTTCTGGCTTTTTATCAGTATGCAAAATCATTTAACTC[A>C]GATGACTTTGATTATGAAGAGCTGAAGAATGGAGACTACGTCTTCATGAGGTGGAAGGTA-3'
Protein context (NP_076957.3, residues 207-227): AFYQYAKSFN[Ser217=]DDFDYEELKN

ClinVar aggregate classification (germline): Likely benign (1 of 4 stars; one submission).

Submission:

CeGaT Center for Human Genetics Tuebingen
Classification: Likely benign. Last evaluated: 2023-03-01. Review status: criteria provided, single submitter. Criteria: CeGaT Center For Human Genetics Tuebingen Variant Classification Criteria Version 2. Collection method: clinical testing. Allele origin: germline. Affected: yes. Observed: 1 variant allele.
Comment: GID4: PM2:Supporting, BP4, BP7